The following is an entry in ClinVar:

NM_030665.4(RAI1):c.2149C>T (p.Pro717Ser)

Gene: RAI1 (retinoic acid induced 1; plus strand). Cytogenetic location: 17p11.2.
Variant type: single nucleotide variant.
Coding change: c.2149C>T on transcript NM_030665.4 (MANE Select); coding-DNA position 2149, C replaced by T.
Protein change: p.Pro717Ser; replaces proline 717 with serine.
Molecular consequence: missense variant.
Genome position (GRCh38, 1-based): chr17:17,795,097, C>T. VCF-style: chr17-17795097-C-T. GRCh37 (hg19) VCF-style: chr17-17698411-C-T.
Other names: short protein forms P717S.
Identifiers: ClinVar variation 3349273 (VCV003349273.1).

ClinVar aggregate classification (germline): Uncertain significance (0 of 4 stars; one submission).

Conditions:
RAI1-related disorder. Also called: RAI1-related condition.

Submission:

PreventionGenetics, part of Exact Sciences
Classification: Uncertain significance for RAI1-related condition. Last evaluated: 2024-01-02. Review status: no assertion criteria provided. Collection method: clinical testing. Allele origin: germline.
Comment: The RAI1 c.2149C>T variant is predicted to result in the amino acid substitution p.Pro717Ser. To our knowledge, this variant has not been reported in the literature or in a large population database, indicating this variant is rare. At this time, the clinical significance of this variant is uncertain due to the absence of conclusive functional and genetic evidence.